The following is an entry in ClinVar:

ClinVar aggregate classification (germline): Likely benign (0 of 4 stars; one submission).

Conditions:
ARHGEF2-related disorder. Also called: ARHGEF2-related condition.

Allele frequency attached by ClinVar (database versions not stated): TOPMed 0.00014; gnomAD 0.00019.
gnomAD v4.1: 52 of 1,507,356 alleles (0.0034%); highest among the groups gnomAD compares: African/African-American, 0.057%; no homozygotes.

Submission:

PreventionGenetics, part of Exact Sciences
Classification: Likely benign for ARHGEF2-related condition. Last evaluated: 2019-07-19. Review status: no assertion criteria provided. Collection method: clinical testing. Allele origin: germline.
Comment: This variant is classified as likely benign based on ACMG/AMP sequence variant interpretation guidelines (Richards et al. 2015 PMID: 25741868, with internal and published modifications).

NM_001162383.2(ARHGEF2):c.63+9G>A

Gene: ARHGEF2 (Rho/Rac guanine nucleotide exchange factor 2; minus strand). Cytogenetic location: 1q22.
Variant type: single nucleotide variant.
Coding change: c.63+9G>A on transcript NM_001162383.2 (MANE Select); 9 bases into the intron after coding-DNA position 63, G replaced by A.
Molecular consequence: intron variant.
Genome position (GRCh38, 1-based): chr1:155,978,356, C>T on the plus strand (G>A on the coding strand, the complement: ARHGEF2 is on the minus strand). VCF-style: chr1-155978356-C-T. GRCh37 (hg19) VCF-style: chr1-155948147-C-T.
Other names: c.12+1155G>A (NM_001350112.2); c.-19+557G>A (NM_001350110.2); c.63+9G>A (NM_001162384.2).
Identifiers: ClinVar variation 3049428 (VCV003049428.2), dbSNP rs768456334, ClinGen allele CA1153649.
Genomic context (GRCh38, chr1:155,978,356, plus strand): 5'-CACCGCGGGTGCCGGGGTTCGGGGAGCACCCGAGGACCGCGGCGAAAGGAGAGGGGTTTC[C>T]GAGCCCACCTTGCTCGCCAGCTCTCTGCTCCGGTCGATCCGCGCCCGCGTGAGGGATTCG-3'